The following is an entry in ClinVar:

NM_002439.5(MSH3):c.1306A>G (p.Thr436Ala)

Gene: MSH3 (mutS homolog 3; plus strand). Cytogenetic location: 5q14.1.
Variant type: single nucleotide variant.
Coding change: c.1306A>G on transcript NM_002439.5 (MANE Select); coding-DNA position 1306, A replaced by G.
Protein change: p.Thr436Ala; replaces threonine 436 with alanine.
Molecular consequence: missense variant.
Genome position (GRCh38, 1-based): chr5:80,679,059, A>G. VCF-style: chr5-80679059-A-G. GRCh37 (hg19) VCF-style: chr5-79974878-A-G.
Other names: c.1306A>G (NM_002439.3); short protein forms T436A.
Identifiers: ClinVar variation 861426 (VCV000861426.14), dbSNP rs1336202860, ClinGen allele CA360269086.
Genomic context (GRCh38, chr5:80,679,059, plus strand): 5'-ACCCGGATGTCAAGCCTGCAGCCAGTAGAGCTGCTGCTTCCTTCGGCCTTGTCCGAGCAA[A>G]CAGAGGCGCTCATCCACAGAGCCACATCTGTTAGGTAAGTTGGCACATCACTGGAATATA-3'
Protein context (NP_002430.3, residues 426-446): LLLPSALSEQ[Thr436Ala]EALIHRATSV

ClinVar aggregate classification (germline): Uncertain significance. Review status: criteria provided, multiple submitters, no conflicts (2 of 4 stars). 4 submissions from 4 submitters: Uncertain significance (4). Last evaluated 2025-07-24.

Conditions:
Endometrial carcinoma. Also called: Endometrial carcinoma, somatic. Identifiers: MedGen C0476089, MONDO:0002447, OMIM 608089, HP:0012114.
Hereditary cancer-predisposing syndrome. Also called: Tumor predisposition; Hereditary neoplastic syndrome; Neoplastic Syndromes, Hereditary; Hereditary Cancer Syndrome. Identifiers: Orphanet 140162, MedGen C0027672, MeSH D009386, MONDO:0015356.

Allele frequency attached by ClinVar (database versions not stated): TOPMed below 0.00001; gnomAD 0.00001.
gnomAD v4.1: 2 of 1,613,946 alleles (0.00012%); highest among the groups gnomAD compares: East Asian, 0.0045%; no homozygotes.

Submissions (4):

Labcorp Genetics (formerly Invitae), Labcorp
Classification: Uncertain significance. Last evaluated: 2025-07-24. Review status: criteria provided, single submitter. Criteria: Invitae Variant Classification Sherloc (09022015). Collection method: clinical testing. Allele origin: germline.
Comment: This sequence change replaces threonine, which is neutral and polar, with alanine, which is neutral and non-polar, at codon 436 of the MSH3 protein (p.Thr436Ala). This variant is present in population databases (no rsID available, gnomAD 0.1%). This variant has not been reported in the literature in individuals affected with MSH3-related conditions. ClinVar contains an entry for this variant (Variation ID: 861426). An algorithm developed to predict the effect of missense changes on protein structure and function (PolyPhen-2) suggests that this variant is likely to be disruptive. In summary, the available evidence is currently insufficient to determine the role of this variant in disease. Therefore, it has been classified as a Variant of Uncertain Significance.

Baylor Genetics
Classification: Uncertain significance for Endometrial carcinoma. Last evaluated: 2023-10-15. Review status: criteria provided, single submitter. Criteria: ACMG Guidelines, 2015. Collection method: clinical testing. Allele origin: unknown.

Ambry Genetics
Classification: Uncertain significance for Hereditary cancer-predisposing syndrome. Last evaluated: 2023-05-16. Review status: criteria provided, single submitter. Criteria: Ambry Variant Classification Scheme 2023. Collection method: clinical testing. Allele origin: germline.
Comment: The p.T436A variant (also known as c.1306A>G), located in coding exon 8 of the MSH3 gene, results from an A to G substitution at nucleotide position 1306. The threonine at codon 436 is replaced by alanine, an amino acid with similar properties. This amino acid position is well conserved in available vertebrate species. In addition, the in silico prediction for this alteration is inconclusive. Since supporting evidence is limited at this time, the clinical significance of this alteration remains unclear.

GeneDx
Classification: Uncertain significance. Last evaluated: 2022-03-17. Review status: criteria provided, single submitter. Criteria: GeneDx Variant Classification Process June 2021. Collection method: clinical testing. Allele origin: germline. Affected: yes.
Comment: Not observed at significant frequency in large population cohorts (gnomAD); In silico analysis supports that this missense variant has a deleterious effect on protein structure/function; Has not been previously published as pathogenic or benign to our knowledge; Variants in candidate genes are classified as variants of uncertain significance in accordance with ACMG guidelines (Richards 2015)